The following is an entry in ClinVar:

ClinVar aggregate classification (germline): Uncertain significance (1 of 4 stars; one submission).

Conditions:
Dyskeratosis congenita. Identifiers: Orphanet 1775, MedGen C0265965, MONDO:0015780.

Submission:

Labcorp Genetics (formerly Invitae), Labcorp
Classification: Uncertain significance for Dyskeratosis congenita. Last evaluated: 2026-01-04. Review status: criteria provided, single submitter. Criteria: Invitae Variant Classification Sherloc (09022015). Collection method: clinical testing. Allele origin: germline.
Comment: This sequence change replaces lysine, which is basic and polar, with asparagine, which is neutral and polar, at codon 341 of the TINF2 protein (p.Lys341Asn). This variant is not present in population databases (gnomAD no frequency). This variant has not been reported in the literature in individuals affected with TINF2-related conditions. An algorithm developed to predict the effect of missense changes on protein structure and function (PolyPhen-2) suggests that this variant is likely to be disruptive. In summary, the available evidence is currently insufficient to determine the role of this variant in disease. Therefore, it has been classified as a Variant of Uncertain Significance.

NM_001099274.3(TINF2):c.1023G>C (p.Lys341Asn)

Gene: TINF2 (TERF1 interacting nuclear factor 2; minus strand). Cytogenetic location: 14q12.
Variant type: single nucleotide variant.
Coding change: c.1023G>C on transcript NM_001099274.3 (MANE Select); coding-DNA position 1023, G replaced by C.
Protein change: p.Lys341Asn; replaces lysine 341 with asparagine.
Molecular consequence: missense variant.
Genome position (GRCh38, 1-based): chr14:24,240,457, C>G on the plus strand (G>C on the coding strand, the complement: TINF2 is on the minus strand). VCF-style: chr14-24240457-C-G. GRCh37 (hg19) VCF-style: chr14-24709663-C-G.
Other names: c.918G>C, p.Lys306Asn (NM_001363668.2); c.1023G>C, p.Lys341Asn (NM_012461.3); short protein forms K306N, K341N.
Identifiers: ClinVar variation 4734707 (VCV004734707.1).